The following is an entry in ClinVar:

ClinVar aggregate classification (germline): Likely pathogenic (1 of 4 stars; one submission).

Conditions:
Deficiency of adenosine deaminase 2. Also called: Polyarteritis nodosa, childhoood-onset; Adenosine Deaminase 2 Deficiency; VASCULITIS, AUTOINFLAMMATION, IMMUNODEFICIENCY, AND HEMATOLOGIC DEFECTS SYNDROME. Identifiers: Orphanet 404553, MedGen C3887654, MONDO:0014306, OMIM 615688, MONDO:0100317.

Submission:

Labcorp Genetics (formerly Invitae), Labcorp
Classification: Likely pathogenic for Deficiency of adenosine deaminase 2. Last evaluated: 2024-10-24. Review status: criteria provided, single submitter. Criteria: Invitae Variant Classification Sherloc (09022015). Collection method: clinical testing. Allele origin: germline.
Comment: This sequence change affects a donor splice site in intron 2 of the ADA2 gene. It is expected to disrupt RNA splicing. Variants that disrupt the donor or acceptor splice site typically lead to a loss of protein function (PMID: 16199547), and loss-of-function variants in ADA2 are known to be pathogenic (PMID: 24552284, 24552285). This variant is not present in population databases (gnomAD no frequency). This variant has not been reported in the literature in individuals affected with ADA2-related conditions. Algorithms developed to predict the effect of sequence changes on RNA splicing suggest that this variant may disrupt the consensus splice site. In summary, the currently available evidence indicates that the variant is pathogenic, but additional data are needed to prove that conclusively. Therefore, this variant has been classified as Likely Pathogenic.

Literature cited by the submitters: PubMed 16199547; PubMed 24552284; PubMed 24552285.

NM_001282225.2(ADA2):c.322+2T>A

Gene: ADA2 (adenosine deaminase 2; minus strand). Cytogenetic location: 22q11.1.
Variant type: single nucleotide variant.
Coding change: c.322+2T>A on transcript NM_001282225.2 (MANE Select); the canonical splice donor site of the intron after coding-DNA position 322, T replaced by A.
Molecular consequence: splice donor variant. On other transcripts: intron variant (1).
Genome position (GRCh38, 1-based): chr22:17,209,354, A>T on the plus strand (T>A on the coding strand, the complement: ADA2 is on the minus strand). VCF-style: chr22-17209354-A-T. GRCh37 (hg19) VCF-style: chr22-17690244-A-T.
Other names: c.196+2T>A (NM_001282227.2, NM_001282228.2); c.-38-2064T>A (NM_001282229.2); c.322+2T>A (NM_001282226.2).
Identifiers: ClinVar variation 2850497 (VCV002850497.3), dbSNP rs2517360088, ClinGen allele CA410230002.